The following is an entry in ClinVar:

NM_014290.3(TDRD7):c.1800T>C (p.Cys600=)

Gene: TDRD7 (tudor domain containing 7; plus strand). Cytogenetic location: 9q22.33.
Variant type: single nucleotide variant.
Coding change: c.1800T>C on transcript NM_014290.3 (MANE Select); coding-DNA position 1800, T replaced by C.
Protein change: p.Cys600=; no amino-acid change (cysteine 600 retained).
Molecular consequence: synonymous variant.
Genome position (GRCh38, 1-based): chr9:97,472,351, T>C. VCF-style: chr9-97472351-T-C. GRCh37 (hg19) VCF-style: chr9-100234633-T-C.
Other names: c.1578T>C, p.Cys526= (NM_001302884.2).
Identifiers: ClinVar variation 260377 (VCV000260377.42), dbSNP rs12552100, ClinGen allele CA5146750.

ClinVar aggregate classification (germline): Benign/Likely benign. Review status: criteria provided, multiple submitters, no conflicts (2 of 4 stars). 6 submissions from 6 submitters: Benign (3); Likely benign (3). Last evaluated 2025-12-01.

Conditions:
Cataract 36. Identifiers: MedGen C3151304, MONDO:0013484, OMIM 613887.

Allele frequency attached by ClinVar (database versions not stated): 1000 Genomes Project 0.00339; 1000 Genomes Project 30x 0.00359; TOPMed 0.00603; gnomAD exomes 0.00634 and 0.00954; ExAC 0.00643; gnomAD 0.00693 and 0.00769; ESP Exome Variant Server 0.00738.
gnomAD v4.1: 14,933 of 1,613,996 alleles (0.93%); highest among the groups gnomAD compares: Non-Finnish European, 1.1%; 95 homozygotes.

Submissions (6):

CeGaT Center for Human Genetics Tuebingen
Classification: Benign. Last evaluated: 2025-12-01. Review status: criteria provided, single submitter. Criteria: CeGaT Center For Human Genetics Tuebingen Variant Classification Criteria Version 2. Collection method: clinical testing. Allele origin: germline. Affected: yes. Observed: 3 variant alleles.
Comment: TDRD7: BP4, BP7, BS1, BS2

Labcorp Genetics (formerly Invitae), Labcorp
Classification: Benign for Cataract 36. Last evaluated: 2025-10-18. Review status: criteria provided, single submitter. Criteria: Invitae Variant Classification Sherloc (09022015). Collection method: clinical testing. Allele origin: germline.

GeneDx
Classification: Likely benign. Last evaluated: 2020-01-09. Review status: criteria provided, single submitter. Criteria: GeneDx Variant Classification Process June 2021. Collection method: clinical testing. Allele origin: germline. Affected: yes.

Illumina Laboratory Services, Illumina
Classification: Likely benign for Cataract 36. Last evaluated: 2018-01-13. Review status: criteria provided, single submitter. Criteria: ICSL Variant Classification Criteria 13 December 2019. Collection method: clinical testing. Allele origin: germline.
Comment: This variant was observed in the ICSL laboratory as part of a predisposition screen in an ostensibly healthy population. It had not been previously curated by ICSL or reported in the Human Gene Mutation Database (HGMD: prior to June 1st, 2018), and was therefore a candidate for classification through an automated scoring system. Utilizing variant allele frequency, disease prevalence and penetrance estimates, and inheritance mode, an automated score was calculated to assess if this variant is too frequent to cause the disease. Based on the score and internal cut-off values, a variant classified as likely benign is not then subjected to further curation. The score for this variant resulted in a classification of likely benign for this disease.

Breakthrough Genomics
Classification: Likely benign. Review status: criteria provided, single submitter. Criteria: ACMG Guidelines, 2015. Collection method: not provided. Allele origin: germline. Inheritance: Autosomal recessive inheritance. Affected: yes.

PreventionGenetics, part of Exact Sciences
Classification: Benign. Review status: criteria provided, single submitter. Criteria: ACMG Guidelines, 2015. Collection method: clinical testing. Allele origin: germline.